The following is an entry in ClinVar:

ClinVar aggregate classification (germline): Conflicting classifications of pathogenicity. Review status: criteria provided, conflicting classifications (1 of 4 stars). 5 submissions from 5 submitters: Uncertain significance (2); Likely benign (1). 2 of the submissions do not count toward it. Last evaluated 2024-05-03.

Conditions:
Cardiovascular phenotype. Identifiers: MedGen CN230736.
Alstrom syndrome (ALMS). Identifiers: Orphanet 64, MedGen C0268425, MONDO:0008763, OMIM 203800.

Allele frequency attached by ClinVar (database versions not stated): ExAC 0.00002; gnomAD exomes 0.00002; gnomAD 0.00003 and 0.00004; TOPMed 0.00005.
gnomAD v4.1: 24 of 1,614,012 alleles (0.0015%); highest among the groups gnomAD compares: Admixed American, 0.025%; no homozygotes.

Submissions (5):

Ambry Genetics
Classification: Likely benign for Cardiovascular phenotype. Last evaluated: 2024-05-03. Review status: criteria provided, single submitter. Criteria: Ambry Variant Classification Scheme 2023. Collection method: clinical testing. Allele origin: germline.

GeneDx
Classification: Uncertain significance. Last evaluated: 2023-09-25. Review status: criteria provided, single submitter. Criteria: GeneDx Variant Classification Process June 2021. Collection method: clinical testing. Allele origin: germline. Affected: yes.
Comment: Not observed at significant frequency in large population cohorts (gnomAD); In silico analysis supports that this missense variant has a deleterious effect on protein structure/function; Has not been previously published as pathogenic or benign to our knowledge

Labcorp Genetics (formerly Invitae), Labcorp
Classification: Uncertain significance for Alstrom syndrome. Last evaluated: 2022-08-09. Review status: criteria provided, single submitter. Criteria: Invitae Variant Classification Sherloc (09022015). Collection method: clinical testing. Allele origin: germline.
Comment: This sequence change replaces proline, which is neutral and non-polar, with leucine, which is neutral and non-polar, at codon 4096 of the ALMS1 protein (p.Pro4096Leu). This variant is present in population databases (rs750502331, gnomAD 0.01%). This variant has not been reported in the literature in individuals affected with ALMS1-related conditions. ClinVar contains an entry for this variant (Variation ID: 552991). Algorithms developed to predict the effect of missense changes on protein structure and function output the following: SIFT: "Not Available"; PolyPhen-2: "Not Available"; Align-GVGD: "Not Available". The leucine amino acid residue is found in multiple mammalian species, which suggests that this missense change does not adversely affect protein function. In summary, the available evidence is currently insufficient to determine the role of this variant in disease. Therefore, it has been classified as a Variant of Uncertain Significance.

Natera, Inc.
Classification: Uncertain significance for Alstrom syndrome. Last evaluated: 2021-06-30. Review status: no assertion criteria provided. Collection method: clinical testing. Allele origin: germline. Not counted in ClinVar's aggregate classification.

Counsyl
Classification: Uncertain significance for Alstrom syndrome. Last evaluated: 2017-07-24. Review status: no assertion criteria provided. Collection method: clinical testing. Allele origin: unknown. Not counted in ClinVar's aggregate classification.

NM_001378454.1(ALMS1):c.12284C>T (p.Pro4095Leu)

Genes: ALMS1 (ALMS1 centrosome and basal body associated protein; plus strand), LOC126806252 (BRD4-independent group 4 enhancer GRCh37_chr2:73828496-73829695; plus strand). Cytogenetic location: 2p13.1.
Variant type: single nucleotide variant.
Coding change: c.12284C>T on transcript NM_001378454.1 (MANE Select); coding-DNA position 12284, C replaced by T.
Protein change: p.Pro4095Leu; replaces proline 4095 with leucine.
Molecular consequence: missense variant.
Genome position (GRCh38, 1-based): chr2:73,602,354, C>T. VCF-style: chr2-73602354-C-T. GRCh37 (hg19) VCF-style: chr2-73829481-C-T.
Other names: c.12287C>T, p.Pro4096Leu (NM_015120.4); short protein forms P4096L, P4095L.
Identifiers: ClinVar variation 552991 (VCV000552991.17), dbSNP rs750502331, ClinGen allele CA1715504.